The following is an entry in ClinVar:

ClinVar aggregate classification (germline): Uncertain significance. Review status: criteria provided, multiple submitters, no conflicts (2 of 4 stars). 2 submissions from 2 submitters: Uncertain significance (2). Last evaluated 2024-05-29.

Conditions:
Inborn genetic diseases. Identifiers: MedGen C0950123, MeSH D030342.
MGAT2-congenital disorder of glycosylation. Also called: CDG IIa; MGAT2-CDG; Congenital disorder of glycosylation, type IIa; MENTAL RETARDATION, GROWTH RETARDATION, PROMINENT COLUMELLA, AND OPEN MOUTH; Alkuraya syndrome. Identifiers: Orphanet 79329, MedGen C2931008, MONDO:0008908, OMIM 212066.

Allele frequency attached by ClinVar (database versions not stated): TOPMed below 0.00001; gnomAD 0.00001.

Submissions (2):

Ambry Genetics
Classification: Uncertain significance for Inborn genetic diseases. Last evaluated: 2024-05-29. Review status: criteria provided, single submitter. Criteria: Ambry Variant Classification Scheme 2023. Collection method: clinical testing. Allele origin: germline.

Labcorp Genetics (formerly Invitae), Labcorp
Classification: Uncertain significance for MGAT2-congenital disorder of glycosylation. Last evaluated: 2023-08-10. Review status: criteria provided, single submitter. Criteria: Invitae Variant Classification Sherloc (09022015). Collection method: clinical testing. Allele origin: germline.
Comment: In summary, the available evidence is currently insufficient to determine the role of this variant in disease. Therefore, it has been classified as a Variant of Uncertain Significance. Advanced modeling of protein sequence and biophysical properties (such as structural, functional, and spatial information, amino acid conservation, physicochemical variation, residue mobility, and thermodynamic stability) performed at Invitae indicates that this missense variant is not expected to disrupt MGAT2 protein function. ClinVar contains an entry for this variant (Variation ID: 1969918). This variant has not been reported in the literature in individuals affected with MGAT2-related conditions. This variant is not present in population databases (gnomAD no frequency). This sequence change replaces alanine, which is neutral and non-polar, with valine, which is neutral and non-polar, at codon 421 of the MGAT2 protein (p.Ala421Val).

NM_002408.4(MGAT2):c.1262C>T (p.Ala421Val)

Gene: MGAT2 (alpha-1,6-mannosyl-glycoprotein 2-beta-N-acetylglucosaminyltransferase; plus strand). Cytogenetic location: 14q21.3.
Variant type: single nucleotide variant.
Coding change: c.1262C>T on transcript NM_002408.4 (MANE Select); coding-DNA position 1262, C replaced by T.
Protein change: p.Ala421Val; replaces alanine 421 with valine.
Molecular consequence: missense variant.
Genome position (GRCh38, 1-based): chr14:49,622,530, C>T. VCF-style: chr14-49622530-C-T. GRCh37 (hg19) VCF-style: chr14-50089248-C-T.
Other names: c.1262C>T (NM_002408.3); short protein forms A421V.
Identifiers: ClinVar variation 1969918 (VCV001969918.6), dbSNP rs1882886188, ClinGen allele CA389621933.